The following is an entry in ClinVar:

NM_005430.4(WNT1):c.179G>A (p.Ser60Asn)

Gene: WNT1 (Wnt family member 1; plus strand). Cytogenetic location: 12q13.12.
Variant type: single nucleotide variant.
Coding change: c.179G>A on transcript NM_005430.4 (MANE Select); coding-DNA position 179, G replaced by A.
Protein change: p.Ser60Asn; replaces serine 60 with asparagine.
Molecular consequence: missense variant.
Genome position (GRCh38, 1-based): chr12:48,979,542, G>A. VCF-style: chr12-48979542-G-A. GRCh37 (hg19) VCF-style: chr12-49373325-G-A.
Other names: short protein forms S60N.
Identifiers: ClinVar variation 1443096 (VCV001443096.8), dbSNP rs2137623410, ClinGen allele CA384627368.
Genomic context (GRCh38, chr12:48,979,542, plus strand): 5'-TAGCCTCCTCCACGAACCTGCTTACAGACTCCAAGAGTCTGCAACTGGTACTCGAGCCCA[G>A]TCTGCAGCTGTTGAGCCGCAAACAGCGGCGTCTGATACGCCAAAATCCGGGGATCCTGCA-3'
Protein context (NP_005421.1, residues 50-70): SKSLQLVLEP[Ser60Asn]LQLLSRKQRR

ClinVar aggregate classification (germline): Uncertain significance (1 of 4 stars; one submission).

Allele frequency attached by ClinVar (database versions not stated): gnomAD exomes below 0.00001.
gnomAD v4.1: 1 of 1,614,100 alleles (0.000062%); highest among the groups gnomAD compares: Non-Finnish European, 0.000085%; no homozygotes.

Submission:

Labcorp Genetics (formerly Invitae), Labcorp
Classification: Uncertain significance. Last evaluated: 2023-07-21. Review status: criteria provided, single submitter. Criteria: Invitae Variant Classification Sherloc (09022015). Collection method: clinical testing. Allele origin: germline.
Comment: In summary, the available evidence is currently insufficient to determine the role of this variant in disease. Therefore, it has been classified as a Variant of Uncertain Significance. Advanced modeling of protein sequence and biophysical properties (such as structural, functional, and spatial information, amino acid conservation, physicochemical variation, residue mobility, and thermodynamic stability) performed at Invitae indicates that this missense variant is not expected to disrupt WNT1 protein function. ClinVar contains an entry for this variant (Variation ID: 1443096). This variant has not been reported in the literature in individuals affected with WNT1-related conditions. This variant is not present in population databases (gnomAD no frequency). This sequence change replaces serine, which is neutral and polar, with asparagine, which is neutral and polar, at codon 60 of the WNT1 protein (p.Ser60Asn).